The following is an entry in ClinVar:

ClinVar aggregate classification (germline): Likely benign (1 of 4 stars; one submission).

gnomAD v4.1: 593 of 1,581,122 alleles (0.038%); highest among the groups gnomAD compares: African/African-American, 0.4%; 70 homozygotes.

Submission:

CeGaT Center for Human Genetics Tuebingen
Classification: Likely benign. Last evaluated: 2025-04-01. Review status: criteria provided, single submitter. Criteria: CeGaT Center For Human Genetics Tuebingen Variant Classification Criteria Version 2. Collection method: clinical testing. Allele origin: germline. Affected: yes. Observed: 1 variant allele.
Comment: AHNAK2: BP4, BS2

NM_138420.4(AHNAK2):c.5642T>A (p.Val1881Glu)

Gene: AHNAK2 (AHNAK nucleoprotein 2; minus strand). Cytogenetic location: 14q32.33.
Variant type: single nucleotide variant.
Coding change: c.5642T>A on transcript NM_138420.4 (MANE Select); coding-DNA position 5642, T replaced by A.
Protein change: p.Val1881Glu; replaces valine 1881 with glutamic acid.
Molecular consequence: missense variant.
Genome position (GRCh38, 1-based): chr14:104,949,809, A>T on the plus strand (T>A on the coding strand, the complement: AHNAK2 is on the minus strand). VCF-style: chr14-104949809-A-T. GRCh37 (hg19) VCF-style: chr14-105416146-A-T.
Other names: c.5342T>A, p.Val1781Glu (NM_001350929.2); short protein forms V1781E, V1881E.
Identifiers: ClinVar variation 3898132 (VCV003898132.7).